The following is an entry in ClinVar:

NM_002283.4(KRT85):c.691-6G>C

Gene: KRT85 (keratin 85; minus strand). Cytogenetic location: 12q13.13.
Variant type: single nucleotide variant.
Coding change: c.691-6G>C on transcript NM_002283.4 (MANE Select); 6 bases into the intron before coding-DNA position 691, G replaced by C.
Molecular consequence: intron variant.
Genome position (GRCh38, 1-based): chr12:52,364,169, C>G on the plus strand (G>C on the coding strand, the complement: KRT85 is on the minus strand). VCF-style: chr12-52364169-C-G. GRCh37 (hg19) VCF-style: chr12-52757953-C-G.
Other names: c.55-6G>C (NM_001300810.1).
Identifiers: ClinVar variation 3031716 (VCV003031716.2), dbSNP rs377299892, ClinGen allele CA6578178.
Genomic context (GRCh38, chr12:52,364,169, plus strand): 5'-GGGCCTCCACATTGGCCTCCAGGTCTGATTTCCGCAGGTAGGCACAGTCCACGTCCTGGC[C>G]GTGGGACAAAGAGGAGGGGACATGCATGTGAGAGGAGACCAAAGAAAGGTGCCTTTGGTC-3'

ClinVar aggregate classification (germline): Likely benign (0 of 4 stars; one submission).

Conditions:
KRT85-related disorder. Also called: KRT85-related condition.

Allele frequency attached by ClinVar (database versions not stated): ExAC 0.00019; gnomAD 0.00047; ESP Exome Variant Server 0.00069.
gnomAD v4.1: 150 of 1,613,978 alleles (0.0093%); highest among the groups gnomAD compares: African/African-American, 0.17%; 1 homozygote.

Submission:

PreventionGenetics, part of Exact Sciences
Classification: Likely benign for KRT85-related condition. Last evaluated: 2023-03-26. Review status: no assertion criteria provided. Collection method: clinical testing. Allele origin: germline.
Comment: This variant is classified as likely benign based on ACMG/AMP sequence variant interpretation guidelines (Richards et al. 2015 PMID: 25741868, with internal and published modifications).